The following is an entry in ClinVar:

ClinVar aggregate classification (germline): Uncertain significance (1 of 4 stars; one submission).

Conditions:
Intellectual developmental disorder, autosomal recessive 5. Also called: Intellectual disability, autosomal recessive 5. Identifiers: Orphanet 88616, MedGen C1970199, MONDO:0012613, OMIM 611091.

Submission:

Juno Genomics, Hangzhou Juno Genomics, Inc
Classification: Uncertain significance for Intellectual developmental disorder, autosomal recessive 5. Review status: criteria provided, single submitter. Criteria: ACMG Guidelines, 2015. Collection method: clinical testing. Allele origin: germline.
Comment: Null variant in a gene where loss of function (LOF) is a known mechanism of disease.;Absent from controls (or at extremely low frequency if recessive) in Genome Aggregation Database.

NM_017755.6(NSUN2):c.2039G>A (p.Trp680Ter)

Gene: NSUN2 (NOP2/Sun RNA methyltransferase 2; minus strand). Cytogenetic location: 5p15.31.
Variant type: single nucleotide variant.
Coding change: c.2039G>A on transcript NM_017755.6 (MANE Select); coding-DNA position 2039, G replaced by A.
Protein change: p.Trp680Ter; replaces tryptophan 680 with a stop codon.
Molecular consequence: nonsense. On other transcripts: non-coding transcript variant (1).
Genome position (GRCh38, 1-based): chr5:6,600,191, C>T on the plus strand (G>A on the coding strand, the complement: NSUN2 is on the minus strand). VCF-style: chr5-6600191-C-T. GRCh37 (hg19) VCF-style: chr5-6600304-C-T.
Other names: c.1934G>A, p.Trp645Ter (NM_001193455.2); short protein forms W680*, W645*.
Identifiers: ClinVar variation 5006916 (VCV005006916.2).